The following is an entry in ClinVar:

ClinVar aggregate classification (germline): Uncertain significance. Review status: criteria provided, multiple submitters, no conflicts (2 of 4 stars). 2 submissions from 2 submitters: Uncertain significance (2). Last evaluated 2025-08-01.

Conditions:
Inborn genetic diseases. Identifiers: MedGen C0950123, MeSH D030342.

gnomAD v4.1: 8 of 1,613,928 alleles (0.0005%); highest among the groups gnomAD compares: African/African-American, 0.0013%; no homozygotes.

Submissions (2):

Ambry Genetics
Classification: Uncertain significance for Inborn genetic diseases. Last evaluated: 2025-08-01. Review status: criteria provided, single submitter. Criteria: Ambry Variant Classification Scheme 2023. Collection method: clinical testing. Allele origin: germline.

GeneDx
Classification: Uncertain significance. Last evaluated: 2023-05-30. Review status: criteria provided, single submitter. Criteria: GeneDx Variant Classification Process June 2021. Collection method: clinical testing. Allele origin: germline. Affected: yes.
Comment: Not observed at significant frequency in large population cohorts (gnomAD); In silico analysis supports that this missense variant has a deleterious effect on protein structure/function; Has not been previously published as pathogenic or benign to our knowledge

NM_001384140.1(PCDH15):c.1844G>A (p.Arg615His)

Gene: PCDH15 (protocadherin related 15; minus strand). Cytogenetic location: 10q21.1.
Variant type: single nucleotide variant.
Coding change: c.1844G>A on transcript NM_001384140.1 (MANE Select); coding-DNA position 1844, G replaced by A.
Protein change: p.Arg615His; replaces arginine 615 with histidine.
Molecular consequence: missense variant. On other transcripts: intron variant (1).
Genome position (GRCh38, 1-based): chr10:54,132,948, C>T on the plus strand (G>A on the coding strand, the complement: PCDH15 is on the minus strand). VCF-style: chr10-54132948-C-T. GRCh37 (hg19) VCF-style: chr10-55892708-C-T.
Other names: c.1859G>A, p.Arg620His (NM_001142763.2, NM_001142771.2); c.1844G>A, p.Arg615His (NM_001142764.2, NM_001142766.2, NM_001142770.3 and 5 more transcripts); c.1733G>A, p.Arg578His (NM_001142767.2); c.1778G>A, p.Arg593His (NM_001142768.2, NM_001142773.2, NM_001354404.2); c.1880G>A, p.Arg627His (NM_001142769.4); c.1865G>A, p.Arg622His (NM_001354411.2); c.1784+20152G>A (NM_001142765.2); short protein forms R578H, R593H, R615H, R620H, R622H, R627H.
Identifiers: ClinVar variation 3361971 (VCV003361971.2).